The following is an entry in ClinVar:

ClinVar aggregate classification (germline): Benign. Review status: criteria provided, multiple submitters, no conflicts (2 of 4 stars). 8 submissions from 8 submitters: Benign (7). 1 of the submissions does not count toward it. Last evaluated 2025-12-07.

Conditions:
Polycystic kidney disease, adult type (PKD1). Also called: POLYCYSTIC KIDNEY DISEASE, ADULT, TYPE I; Polycystic Kidney Disease 1, Autosomal Dominant; Polycystic kidney disease 1; Polycystic kidney disease 1, severe; POLYCYSTIC KIDNEY DISEASE 1 WITH OR WITHOUT POLYCYSTIC LIVER DISEASE; Polycystic Kidney, Autosomal Dominant. Identifiers: MedGen C3149841, MONDO:0008263, OMIM 173900.
Polycystic kidney disease. Also called: Kidney, Polycystic; Polycystic kidney dysplasia. Identifiers: MedGen C0022680, MeSH D007690, MONDO:0020642, HP:0000113.

Allele frequency attached by ClinVar (database versions not stated): gnomAD exomes 0.00313; ExAC 0.00750; 1000 Genomes Project 0.01158; 1000 Genomes Project 30x 0.01171; gnomAD 0.01176 and 0.01269; ESP Exome Variant Server 0.01294; TOPMed 0.01323.
gnomAD v4.1: 3,777 of 1,577,442 alleles (0.24%); highest among the groups gnomAD compares: African/African-American, 3.9%; 53 homozygotes.

Submissions (8):

Women's Health and Genetics/Laboratory Corporation of America, LabCorp
Classification: Benign. Last evaluated: 2025-12-07. Review status: criteria provided, single submitter. Criteria: LabCorp Variant Classification Summary - May 2015. Collection method: clinical testing. Allele origin: germline.

Athena Diagnostics
Classification: Benign. Last evaluated: 2023-11-07. Review status: criteria provided, single submitter. Criteria: Athena Diagnostics Criteria. Collection method: clinical testing. Allele origin: unknown.

Mayo Clinic Laboratories, Mayo Clinic
Classification: Benign. Last evaluated: 2023-04-19. Review status: criteria provided, single submitter. Criteria: ACMG Guidelines, 2015. Collection method: clinical testing. Allele origin: germline. Observed: 9 variant alleles.
Comment: BS1, BS2, BP4, BP7

GeneDx
Classification: Benign. Last evaluated: 2020-04-30. Review status: criteria provided, single submitter. Criteria: GeneDx Variant Classification Process June 2021. Collection method: clinical testing. Allele origin: germline. Affected: yes.

ARUP Laboratories, Molecular Genetics and Genomics, ARUP Laboratories
Classification: Benign for Polycystic kidney disease, adult type. Last evaluated: 2018-09-04. Review status: criteria provided, single submitter. Criteria: ARUP Molecular Germline Variant Investigation Process. Collection method: clinical testing. Allele origin: germline.

Breakthrough Genomics
Classification: Benign. Review status: criteria provided, single submitter. Criteria: ACMG Guidelines, 2015. Collection method: not provided. Allele origin: germline. Inheritance: Autosomal dominant inheritance. Affected: yes.

PreventionGenetics, part of Exact Sciences
Classification: Benign. Review status: criteria provided, single submitter. Criteria: ACMG Guidelines, 2015. Collection method: clinical testing. Allele origin: germline.

Department of Pathology and Laboratory Medicine, Sinai Health System
Classification: Benign for Polycystic Kidney disease. Review status: no assertion criteria provided. Collection method: clinical testing. Allele origin: unknown. Affected: yes. Study: The Canadian Open Genetics Repository (COGR). Not counted in ClinVar's aggregate classification.
Comment: The PKD1 p.Phe1163Phe variant was identified in 1 of 164 proband chromosomes (frequency: 0.006) from individuals or families with ADPKD (Garcia-Gonzalez 2007), ClinVar and Clinvitae (as Benign by Prevention Genetics), ADPKD Mutation Database (Likely neutral), GeneInsight-COGR (as Benign by a clinical laboratory). The variant was identified in dbSNP (ID: rs139744826) as â€šÃ„ÃºWith Benign alleleâ€šÃ„Ã¹, with a minor allele frequency of 0.01 (58 of 5000 chromosomes in 1000 Genomes Project), the NHLBI GO Exome Sequencing Project in 4 of 8468 European American (frequency: 0.0005) and in 161 of 4280 African American alleles (frequency: 0.04), the Exome Aggregation Consortium database (August 8, 2016) in 228 (3 homozygous) of 30390 chromosomes (frequency: 0.008) in the following populations: African in 191 of 3092 chromosomes (frequency:0.06), Latino in 12 of 1416 chromosomes (frequency: 0.008), European (Non-Finnish) in 22 of 14238 chromosomes (frequency: 0.002), South Asian in 1 of 9058 chromosomes (frequency: 0.0001), and in Other in 2 of 264 chromosomes (frequency: 0.008)and was not identified in East Asian and Finnish populations, increasing the likelihood this could be a low frequency benign variant. In addition we cannot be certain that data from control databases is specific to PKD1 and not from one of the six PKD1 pseudogenes. The p.Phe1163Phe variant is not expected to have clinical significance because it does not result in a change of amino acid and is not located in a known consensus splice site. In addition, in silico or computational prediction software programs (SpliceSiteFinder, MaxEntScan, NNSPLICE, GeneSplicer, and HumanSpliceFinder) do not predict a difference in splicing. In summary, based on the above information, this variant meets our laboratory criteria to be classified as benign.

Literature cited by the submitters: PubMed 27499327 (cited by Athena Diagnostics and Mayo Clinic Laboratories, Mayo Clinic); PubMed 17574468 (cited by Athena Diagnostics).

NM_001009944.3(PKD1):c.3489C>T (p.Phe1163=)

Gene: PKD1 (polycystin 1, transient receptor potential channel interacting; minus strand). Cytogenetic location: 16p13.3.
Variant type: single nucleotide variant.
Coding change: c.3489C>T on transcript NM_001009944.3 (MANE Select); coding-DNA position 3489, C replaced by T.
Protein change: p.Phe1163=; no amino-acid change (phenylalanine 1163 retained).
Molecular consequence: synonymous variant.
Genome position (GRCh38, 1-based): chr16:2,111,678, G>A on the plus strand (C>T on the coding strand, the complement: PKD1 is on the minus strand). VCF-style: chr16-2111678-G-A. GRCh37 (hg19) VCF-style: chr16-2161679-G-A.
Other names: p.Phe1163=; c.3489C>T, p.Phe1163= (NM_000296.4).
Identifiers: ClinVar variation 256952 (VCV000256952.18), dbSNP rs139744826, ClinGen allele CA7832754.